The following is an entry in ClinVar:

NM_001194.4(HCN2):c.2135G>A (p.Gly712Asp)

Gene: HCN2 (hyperpolarization activated cyclic nucleotide gated potassium and sodium channel 2; plus strand). Cytogenetic location: 19p13.3.
Variant type: single nucleotide variant.
Coding change: c.2135G>A on transcript NM_001194.4 (MANE Select); coding-DNA position 2135, G replaced by A.
Protein change: p.Gly712Asp; replaces glycine 712 with aspartic acid.
Molecular consequence: missense variant.
Genome position (GRCh38, 1-based): chr19:615,939, G>A. VCF-style: chr19-615939-G-A. GRCh37 (hg19) VCF-style: chr19-615939-G-A.
Other names: short protein forms G712D.
Identifiers: ClinVar variation 1303985 (VCV001303985.7), dbSNP rs1983887716, ClinGen allele CA402886692.

ClinVar aggregate classification (germline): Uncertain significance. Review status: criteria provided, multiple submitters, no conflicts (2 of 4 stars). 3 submissions from 3 submitters: Uncertain significance (3). Last evaluated 2025-05-14.

Conditions:
Inborn genetic diseases. Identifiers: MedGen C0950123, MeSH D030342.

Allele frequency attached by ClinVar (database versions not stated): TOPMed below 0.00001.
gnomAD v4.1: 1 of 1,607,996 alleles (0.000062%); highest among the groups gnomAD compares: Non-Finnish European, 0.000085%; no homozygotes.

Submissions (3):

Dasa
Classification: Uncertain significance. Last evaluated: 2025-05-14. Review status: criteria provided, single submitter. Criteria: DASA Assertion Criteria. Collection method: clinical testing. Allele origin: germline.
Comment: NM_001194.4(HCN2):c.2135G>A (p.Gly712Asp) is a missense variant that results in the substitution of glycine with aspartic acid. This variant is rare in population databases. Computational prediction algorithms are consistent with a benign effect. The currently available literature and clinical evidence are not sufficient to establish a definitive association between this variant and the reported condition. Therefore, this variant is classified as a variant of uncertain significance.

GeneDx
Classification: Uncertain significance. Last evaluated: 2024-12-23. Review status: criteria provided, single submitter. Criteria: GeneDx Variant Classification Process June 2021. Collection method: clinical testing. Allele origin: germline. Affected: yes.
Comment: Not observed at significant frequency in large population cohorts (gnomAD); In silico analysis indicates that this missense variant does not alter protein structure/function; Has not been previously published as pathogenic or benign to our knowledge

Ambry Genetics
Classification: Uncertain significance for Inborn genetic diseases. Last evaluated: 2024-11-25. Review status: criteria provided, single submitter. Criteria: Ambry Variant Classification Scheme 2023. Collection method: clinical testing. Allele origin: germline.